The following is an entry in ClinVar:

NM_017763.6(RNF43):c.1306C>T (p.Arg436Cys)

Gene: RNF43 (ring finger protein 43; minus strand). Cytogenetic location: 17q22.
Variant type: single nucleotide variant.
Coding change: c.1306C>T on transcript NM_017763.6 (MANE Select); coding-DNA position 1306, C replaced by T.
Protein change: p.Arg436Cys; replaces arginine 436 with cysteine.
Molecular consequence: missense variant.
Genome position (GRCh38, 1-based): chr17:58,358,470, G>A on the plus strand (C>T on the coding strand, the complement: RNF43 is on the minus strand). VCF-style: chr17-58358470-G-A. GRCh37 (hg19) VCF-style: chr17-56435831-G-A.
Other names: c.1306C>T, p.Arg436Cys (NM_001305544.3); c.925C>T, p.Arg309Cys (NM_001305545.2); c.1306C>T (NM_017763.4); short protein forms R436C, R309C.
Identifiers: ClinVar variation 1427634 (VCV001427634.10), dbSNP rs1025275269, ClinGen allele CA8673199.

ClinVar aggregate classification (germline): Conflicting classifications of pathogenicity. Review status: criteria provided, conflicting classifications (1 of 4 stars). 5 submissions from 5 submitters: Uncertain significance (4); Likely benign (1). Last evaluated 2025-11-14.

Conditions:
Sessile serrated polyposis cancer syndrome (SSPCS). Identifiers: Orphanet 157798, MedGen C4310714, MONDO:0014919, OMIM 617108.

Allele frequency attached by ClinVar (database versions not stated): gnomAD 0.00001; gnomAD exomes 0.00001; TOPMed 0.00001; ExAC 0.00002.

Submissions (5):

Ambry Genetics
Classification: Likely benign. Last evaluated: 2025-11-14. Review status: criteria provided, single submitter. Criteria: Ambry Variant Classification Scheme 2023. Collection method: clinical testing. Allele origin: germline.

Labcorp Genetics (formerly Invitae), Labcorp
Classification: Uncertain significance. Last evaluated: 2024-02-09. Review status: criteria provided, single submitter. Criteria: Invitae Variant Classification Sherloc (09022015). Collection method: clinical testing. Allele origin: germline.
Comment: This sequence change replaces arginine, which is basic and polar, with cysteine, which is neutral and slightly polar, at codon 436 of the RNF43 protein (p.Arg436Cys). This variant is present in population databases (no rsID available, gnomAD 0.007%). This variant has not been reported in the literature in individuals affected with RNF43-related conditions. ClinVar contains an entry for this variant (Variation ID: 1427634). An algorithm developed to predict the effect of missense changes on protein structure and function (PolyPhen-2) suggests that this variant is likely to be disruptive. In summary, the available evidence is currently insufficient to determine the role of this variant in disease. Therefore, it has been classified as a Variant of Uncertain Significance.

Baylor Genetics
Classification: Uncertain significance for Sessile serrated polyposis cancer syndrome. Last evaluated: 2024-02-07. Review status: criteria provided, single submitter. Criteria: ACMG Guidelines, 2015. Collection method: clinical testing. Allele origin: unknown.

GeneDx
Classification: Uncertain significance. Last evaluated: 2022-11-08. Review status: criteria provided, single submitter. Criteria: GeneDx Variant Classification Process June 2021. Collection method: clinical testing. Allele origin: germline. Affected: yes.
Comment: Observed in large population cohorts (gnomAD; internal data); In silico analysis supports that this missense variant does not alter protein structure/function; Has not been previously published as pathogenic or benign to our knowledge; Variants in candidate genes are classified as variants of uncertain significance in accordance with ACMG guidelines (Richards et al., 2015)

Laboratorio de Genetica e Diagnostico Molecular, Hospital Israelita Albert Einstein
Classification: Uncertain significance for Sessile serrated polyposis cancer syndrome. Last evaluated: 2022-06-01. Review status: criteria provided, single submitter. Criteria: ACMG Guidelines, 2015. Collection method: clinical testing. Allele origin: germline. Affected: yes.
Comment: ACMG classification criteria: PM2 moderate, BP4 supporting